The following is an entry in ClinVar:

ClinVar aggregate classification (germline): Uncertain significance (1 of 4 stars; one submission).

Conditions:
Inborn genetic diseases. Identifiers: MedGen C0950123, MeSH D030342.

Submission:

Ambry Genetics
Classification: Uncertain significance for Inborn genetic diseases. Last evaluated: 2021-09-02. Review status: criteria provided, single submitter. Criteria: Ambry Variant Classification Scheme 2023. Collection method: clinical testing. Allele origin: germline.
Comment: Occurs in the last base pair of the exon Based on insufficient or conflicting evidence, the clinical significance of this alteration remains unclear.

NM_001197104.2(KMT2A):c.11643G>A (p.Lys3881=)

Genes: KMT2A (lysine methyltransferase 2A; plus strand), TTC36-AS1 (TTC36 and KMT2A antisense RNA 1; minus strand). Cytogenetic location: 11q23.3.
Variant type: single nucleotide variant.
Coding change: c.11643G>A on transcript NM_001197104.2 (MANE Select); coding-DNA position 11643, G replaced by A.
Protein change: p.Lys3881=; no amino-acid change (lysine 3881 retained).
Molecular consequence: synonymous variant.
Genome position (GRCh38, 1-based): chr11:118,521,417, G>A. VCF-style: chr11-118521417-G-A. GRCh37 (hg19) VCF-style: chr11-118392132-G-A.
Other names: c.11733G>A, p.Lys3911= (NM_001412597.1); c.11634G>A, p.Lys3878= (NM_005933.4).
Identifiers: ClinVar variation 2240320 (VCV002240320.2), dbSNP rs2135295066, ClinGen allele CA477099775.
Genomic context (GRCh38, chr11:118,521,417, plus strand): 5'-TGCCGGCAACGTCATCCGCTCCATCCAGACTGACAAGCGGGAAAAGTATTACGACAGCAA[G>A]GTAAGTCTCCCACTTGCACTCACACAGTTCTTTTGTTTTGCTGTAGAAAGGGACCAGTAT-3'
Protein context (NP_001184033.1, residues 3871-3891): TDKREKYYDS[Lys3881=]GIGCYMFRID